The following is an entry in ClinVar:

ClinVar aggregate classification (germline): Uncertain significance (1 of 4 stars; one submission).

Conditions:
3-methylcrotonyl-CoA carboxylase 1 deficiency (MCC1D). Also called: MCC 1 deficiency; 3 Alpha methylcrotonylglycinuria 1; MCCD TYPE 1; METHYLCROTONYLGLYCINURIA TYPE I. Identifiers: Orphanet 6, MedGen CN028786, MONDO:0008861, OMIM 210200.

Allele frequency attached by ClinVar (database versions not stated): gnomAD 0.00001.
gnomAD v4.1: 1 of 1,613,984 alleles (0.000062%); highest among the groups gnomAD compares: African/African-American, 0.0013%; no homozygotes.

Submission:

Labcorp Genetics (formerly Invitae), Labcorp
Classification: Uncertain significance for 3-methylcrotonyl-CoA carboxylase 1 deficiency. Last evaluated: 2022-02-23. Review status: criteria provided, single submitter. Criteria: Invitae Variant Classification Sherloc (09022015). Collection method: clinical testing. Allele origin: germline.
Comment: This sequence change falls in intron 6 of the MCCC1 gene. It does not directly change the encoded amino acid sequence of the MCCC1 protein. It affects a nucleotide within the consensus splice site. In summary, the available evidence is currently insufficient to determine the role of this variant in disease. Therefore, it has been classified as a Variant of Uncertain Significance. Variants that disrupt the consensus splice site are a relatively common cause of aberrant splicing (PMID: 17576681, 9536098). Algorithms developed to predict the effect of sequence changes on RNA splicing suggest that this variant is not likely to affect RNA splicing. This variant has not been reported in the literature in individuals affected with MCCC1-related conditions. This variant is not present in population databases (gnomAD no frequency).

Literature cited by the submitters: PubMed 17576681; PubMed 9536098.

NM_020166.5(MCCC1):c.639+6A>T

Gene: MCCC1 (methylcrotonyl-CoA carboxylase subunit 1; minus strand). Cytogenetic location: 3q27.1.
Variant type: single nucleotide variant.
Coding change: c.639+6A>T on transcript NM_020166.5 (MANE Select); 6 bases into the intron after coding-DNA position 639, A replaced by T.
Molecular consequence: intron variant.
Genome position (GRCh38, 1-based): chr3:183,071,204, T>A on the plus strand (A>T on the coding strand, the complement: MCCC1 is on the minus strand). VCF-style: chr3-183071204-T-A. GRCh37 (hg19) VCF-style: chr3-182788992-T-A.
Other names: c.312+6A>T (NM_001363880.1); c.288+6A>T (NM_001293273.2).
Identifiers: ClinVar variation 1982425 (VCV001982425.4), dbSNP rs996701241, ClinGen allele CA88717119.
Genomic context (GRCh38, chr3:183,071,204, plus strand): 5'-ACTACAACATAAATAAAACAAAGAAGACAAGCCTGAATTGGCAAACACAAGCATGCACAA[T>A]CTTACTTTTCCTCCTCCACCCCGGACGGCTTTAATCATGACAGGATAGCCAATTCTCCTG-3'